The following is an entry in ClinVar:

NM_144773.4(PROKR2):c.35C>G (p.Pro12Arg)

Gene: PROKR2 (prokineticin receptor 2; minus strand). Cytogenetic location: 20p12.3.
Variant type: single nucleotide variant.
Coding change: c.35C>G on transcript NM_144773.4 (MANE Select); coding-DNA position 35, C replaced by G.
Protein change: p.Pro12Arg; replaces proline 12 with arginine.
Molecular consequence: missense variant.
Genome position (GRCh38, 1-based): chr20:5,314,335, G>C on the plus strand (C>G on the coding strand, the complement: PROKR2 is on the minus strand). VCF-style: chr20-5314335-G-C. GRCh37 (hg19) VCF-style: chr20-5294981-G-C.
Other names: short protein forms P12R.
Identifiers: ClinVar variation 696699 (VCV000696699.6), dbSNP rs147773715, ClinGen allele CA9754452.

ClinVar aggregate classification (germline): Likely benign. Review status: criteria provided, multiple submitters, no conflicts (2 of 4 stars). 2 submissions from 2 submitters: Likely benign (2). Last evaluated 2025-06-27.

Allele frequency attached by ClinVar (database versions not stated): gnomAD exomes 0.00022; ESP Exome Variant Server 0.00062; gnomAD 0.00106 and 0.00094; TOPMed 0.00115; ExAC 0.00024; 1000 Genomes Project 0.00140; 1000 Genomes Project 30x 0.00156.
gnomAD v4.1: 287 of 1,614,114 alleles (0.018%); highest among the groups gnomAD compares: African/African-American, 0.37%; no homozygotes.

Submissions (2):

Labcorp Genetics (formerly Invitae), Labcorp
Classification: Likely benign. Last evaluated: 2025-06-27. Review status: criteria provided, single submitter. Criteria: Invitae Variant Classification Sherloc (09022015). Collection method: clinical testing. Allele origin: germline.

Women's Health and Genetics/Laboratory Corporation of America, LabCorp
Classification: Likely benign. Last evaluated: 2024-07-05. Review status: criteria provided, single submitter. Criteria: LabCorp Variant Classification Summary - May 2015. Collection method: clinical testing. Allele origin: germline.
Comment: Variant summary: PROKR2 c.35C>G (p.Pro12Arg) results in a non-conservative amino acid change in the encoded protein sequence. Four of five in-silico tools predict a benign effect of the variant on protein function. The variant allele was found at a frequency of 0.00022 in 251424 control chromosomes, predominantly found ion the African subpopulation with a frequency of 0.003. To our knowledge, no occurrence of c.35C>G in individuals affected with Kallmann Syndrome 3 has been reported. At least one publication reported experimental evidence evaluating an impact on protein function, and these results showed no damaging effect of this variant (Cox_2018). The following publication have been ascertained in the context of this evaluation (PMID: 29161432). ClinVar contains an entry for this variant (Variation ID: 696699). Based on the evidence outlined above, the variant was classified as likely benign.

Literature cited by the submitters: PubMed 29161432 (cited by Women's Health and Genetics/Laboratory Corporation of America, LabCorp).